The following is an entry in ClinVar:

ClinVar aggregate classification (germline): Uncertain significance. Review status: criteria provided, multiple submitters, no conflicts (2 of 4 stars). 2 submissions from 2 submitters: Uncertain significance (2). Last evaluated 2025-07-30.

Conditions:
Immunodeficiency 39 (IMD39). Identifiers: Orphanet 574918, MedGen C4225358, MONDO:0014597, OMIM 616345.

Submissions (2):

Labcorp Genetics (formerly Invitae), Labcorp
Classification: Uncertain significance for Immunodeficiency 39. Last evaluated: 2025-07-30. Review status: criteria provided, single submitter. Criteria: Invitae Variant Classification Sherloc (09022015). Collection method: clinical testing. Allele origin: germline.
Comment: This sequence change replaces histidine, which is basic and polar, with glutamine, which is neutral and polar, at codon 365 of the IRF7 protein (p.His365Gln). This variant is present in population databases (rs753003737, gnomAD 0.004%). This variant has not been reported in the literature in individuals affected with IRF7-related conditions. ClinVar contains an entry for this variant (Variation ID: 1348380). Invitae Evidence Modeling of protein sequence and biophysical properties (such as structural, functional, and spatial information, amino acid conservation, physicochemical variation, residue mobility, and thermodynamic stability) has been performed for this missense variant. However, the output from this modeling did not meet the statistical confidence thresholds required to predict the impact of this variant on IRF7 protein function. In summary, the available evidence is currently insufficient to determine the role of this variant in disease. Therefore, it has been classified as a Variant of Uncertain Significance.

Ambry Genetics
Classification: Uncertain significance. Last evaluated: 2023-12-27. Review status: criteria provided, single submitter. Criteria: Ambry Variant Classification Scheme 2023. Collection method: clinical testing. Allele origin: germline.

NM_001572.5(IRF7):c.1056C>G (p.His352Gln)

Gene: IRF7 (interferon regulatory factor 7; minus strand). Cytogenetic location: 11p15.5.
Variant type: single nucleotide variant.
Coding change: c.1056C>G on transcript NM_001572.5 (MANE Select); coding-DNA position 1056, C replaced by G.
Protein change: p.His352Gln; replaces histidine 352 with glutamine.
Molecular consequence: missense variant.
Genome position (GRCh38, 1-based): chr11:613,387, G>C on the plus strand (C>G on the coding strand, the complement: IRF7 is on the minus strand). VCF-style: chr11-613387-G-C. GRCh37 (hg19) VCF-style: chr11-613387-G-C.
Other names: c.969C>G, p.His323Gln (NM_004029.4); c.1095C>G, p.His365Gln (NM_004031.4); c.1095C>G (NM_004031.2); short protein forms H352Q, H365Q, H323Q.
Identifiers: ClinVar variation 1348380 (VCV001348380.7), dbSNP rs753003737, ClinGen allele CA5783595.
Genomic context (GRCh38, chr11:613,387, plus strand): 5'-GCCCATGCGCCGGGCCCACAGCTGTGGCCCCCGAAGCTCCAGGTGCAACCCAGGGGCCAC[G>C]TGCCGCAGCAGTTCCTCCGTGTAGCGCAGCTGCTTCTGGTCCGGGAGCTCGGCAGGGCTG-3'
Protein context (NP_001563.2, residues 342-362): QLRYTEELLR[His352Gln]VAPGLHLELR